The following is an entry in ClinVar:

ClinVar aggregate classification (germline): Uncertain significance. Review status: criteria provided, multiple submitters, no conflicts (2 of 4 stars). 3 submissions from 3 submitters: Uncertain significance (3). Last evaluated 2025-11-11.

Conditions:
Intellectual disability, autosomal recessive 53 (NEDHSCA). Also called: GLYCOSYLPHOSPHATIDYLINOSITOL BIOSYNTHESIS DEFECT 13; Mental retardation, autosomal recessive 53; NEURODEVELOPMENTAL DISORDER WITH OR WITHOUT HYPOTONIA, SEIZURES, AND CEREBELLAR ATROPHY. Identifiers: Orphanet 488635, MedGen C4310794, MONDO:0014832, OMIM 616917.
Inborn genetic diseases. Identifiers: MedGen C0950123, MeSH D030342.

Allele frequency attached by ClinVar (database versions not stated): gnomAD exomes 0.00005; TOPMed 0.00012; 1000 Genomes Project 0.00020; 1000 Genomes Project 30x 0.00016; ESP Exome Variant Server 0.00023; ExAC 0.00006; gnomAD 0.00013 and 0.00014.
gnomAD v4.1: 39 of 1,605,718 alleles (0.0024%); highest among the groups gnomAD compares: African/African-American, 0.037%; no homozygotes.

Submissions (3):

GeneDx
Classification: Uncertain significance. Last evaluated: 2025-11-11. Review status: criteria provided, single submitter. Criteria: GeneDx Variant Classification Process June 2021. Collection method: clinical testing. Allele origin: germline.
Comment: In silico analysis suggests that this missense variant does not alter protein structure/function; Has not been previously published as pathogenic or benign to our knowledge

Ambry Genetics
Classification: Uncertain significance for Inborn genetic diseases. Last evaluated: 2025-06-19. Review status: criteria provided, single submitter. Criteria: Ambry Variant Classification Scheme 2023. Collection method: clinical testing. Allele origin: germline.

Labcorp Genetics (formerly Invitae), Labcorp
Classification: Uncertain significance for Intellectual disability, autosomal recessive 53. Last evaluated: 2023-08-17. Review status: criteria provided, single submitter. Criteria: Invitae Variant Classification Sherloc (09022015). Collection method: clinical testing. Allele origin: germline.
Comment: This sequence change replaces alanine, which is neutral and non-polar, with threonine, which is neutral and polar, at codon 36 of the PIGG protein (p.Ala36Thr). This variant is present in population databases (rs144675581, gnomAD 0.03%). This variant has not been reported in the literature in individuals affected with PIGG-related conditions. ClinVar contains an entry for this variant (Variation ID: 1420171). Advanced modeling of protein sequence and biophysical properties (such as structural, functional, and spatial information, amino acid conservation, physicochemical variation, residue mobility, and thermodynamic stability) performed at Invitae indicates that this missense variant is not expected to disrupt PIGG protein function. In summary, the available evidence is currently insufficient to determine the role of this variant in disease. Therefore, it has been classified as a Variant of Uncertain Significance.

NM_001127178.3(PIGG):c.106G>A (p.Ala36Thr)

Gene: PIGG (phosphatidylinositol glycan anchor biosynthesis class G (EMM blood group); plus strand). Cytogenetic location: 4p16.3.
Variant type: single nucleotide variant.
Coding change: c.106G>A on transcript NM_001127178.3 (MANE Select); coding-DNA position 106, G replaced by A.
Protein change: p.Ala36Thr; replaces alanine 36 with threonine.
Molecular consequence: missense variant. On other transcripts: 5 prime UTR variant (9), non-coding transcript variant (10), intron variant (1).
Genome position (GRCh38, 1-based): chr4:499,441, G>A. VCF-style: chr4-499441-G-A. GRCh37 (hg19) VCF-style: chr4-493230-G-A.
Other names: c.106G>A, p.Ala36Thr (NM_001289052.2, NM_001345989.2, NM_017733.5); c.-720G>A (NM_001289053.2); c.-331G>A (NM_001289055.2); c.-398G>A (NM_001289057.2, NM_001345986.2, NM_001345987.2); c.-1018G>A (NM_001345988.2); c.-1520G>A (NM_001345990.2); c.-1618G>A (NM_001345991.2); c.-1343G>A (NM_001345994.2); and 2 more; short protein forms A36T.
Identifiers: ClinVar variation 1420171 (VCV001420171.7), dbSNP rs144675581, ClinGen allele CA2792887.